The following is an entry in ClinVar:

NM_001286.5(CLCN6):c.676C>A (p.Gln226Lys)

Gene: CLCN6 (chloride voltage-gated channel 6; plus strand). Cytogenetic location: 1p36.22.
Variant type: single nucleotide variant.
Coding change: c.676C>A on transcript NM_001286.5 (MANE Select); coding-DNA position 676, C replaced by A.
Protein change: p.Gln226Lys; replaces glutamine 226 with lysine.
Molecular consequence: missense variant. On other transcripts: non-coding transcript variant (1).
Genome position (GRCh38, 1-based): chr1:11,826,183, C>A. VCF-style: chr1-11826183-C-A. GRCh37 (hg19) VCF-style: chr1-11886240-C-A.
Other names: c.610C>A, p.Gln204Lys (NM_001256959.2); c.676C>A (NM_001286.2); short protein forms Q204K, Q226K.
Identifiers: ClinVar variation 1506570 (VCV001506570.7), dbSNP rs1644809369, ClinGen allele CA338428561.

ClinVar aggregate classification (germline): Uncertain significance. Review status: criteria provided, multiple submitters, no conflicts (2 of 4 stars). 2 submissions from 2 submitters: Uncertain significance (2). Last evaluated 2025-06-07.

Allele frequency attached by ClinVar (database versions not stated): gnomAD exomes below 0.00001; gnomAD 0.00001.
gnomAD v4.1: 2 of 1,613,854 alleles (0.00012%); highest among the groups gnomAD compares: African/African-American, 0.0013%; no homozygotes.

Submissions (2):

Ambry Genetics
Classification: Uncertain significance. Last evaluated: 2025-06-07. Review status: criteria provided, single submitter. Criteria: Ambry Variant Classification Scheme 2023. Collection method: clinical testing. Allele origin: germline.

Labcorp Genetics (formerly Invitae), Labcorp
Classification: Uncertain significance. Last evaluated: 2024-09-06. Review status: criteria provided, single submitter. Criteria: Invitae Variant Classification Sherloc (09022015). Collection method: clinical testing. Allele origin: germline.
Comment: This sequence change replaces glutamine, which is neutral and polar, with lysine, which is basic and polar, at codon 226 of the CLCN6 protein (p.Gln226Lys). This variant is not present in population databases (gnomAD no frequency). This variant has not been reported in the literature in individuals affected with CLCN6-related conditions. ClinVar contains an entry for this variant (Variation ID: 1506570). An algorithm developed to predict the effect of missense changes on protein structure and function (PolyPhen-2) suggests that this variant is likely to be tolerated. In summary, the available evidence is currently insufficient to determine the role of this variant in disease. Therefore, it has been classified as a Variant of Uncertain Significance.